The following is an entry in ClinVar:

ClinVar aggregate classification (germline): Uncertain significance. Review status: criteria provided, multiple submitters, no conflicts (2 of 4 stars). 2 submissions from 2 submitters: Uncertain significance (2). Last evaluated 2024-11-25.

Conditions:
Inborn genetic diseases. Identifiers: MedGen C0950123, MeSH D030342.

Allele frequency attached by ClinVar (database versions not stated): gnomAD exomes 0.00001; ExAC 0.00002; ESP Exome Variant Server 0.00008; gnomAD 0.00013; TOPMed 0.00014.
gnomAD v4.1: 30 of 1,611,336 alleles (0.0019%); highest among the groups gnomAD compares: Admixed American, 0.04%; no homozygotes.

Submissions (2):

Labcorp Genetics (formerly Invitae), Labcorp
Classification: Uncertain significance. Last evaluated: 2024-11-25. Review status: criteria provided, single submitter. Criteria: Invitae Variant Classification Sherloc (09022015). Collection method: clinical testing. Allele origin: germline.
Comment: This sequence change replaces serine, which is neutral and polar, with phenylalanine, which is neutral and non-polar, at codon 278 of the HR protein (p.Ser278Phe). This variant is present in population databases (rs374318044, gnomAD 0.01%). This variant has not been reported in the literature in individuals affected with HR-related conditions. ClinVar contains an entry for this variant (Variation ID: 3106923). An algorithm developed to predict the effect of missense changes on protein structure and function (PolyPhen-2) suggests that this variant is likely to be tolerated. In summary, the available evidence is currently insufficient to determine the role of this variant in disease. Therefore, it has been classified as a Variant of Uncertain Significance.

Ambry Genetics
Classification: Uncertain significance for Inborn genetic diseases. Last evaluated: 2023-11-06. Review status: criteria provided, single submitter. Criteria: Ambry Variant Classification Scheme 2023. Collection method: clinical testing. Allele origin: germline.

NM_005144.5(HR):c.833C>T (p.Ser278Phe)

Gene: HR (HR lysine demethylase and nuclear receptor corepressor; minus strand). Cytogenetic location: 8p21.3.
Variant type: single nucleotide variant.
Coding change: c.833C>T on transcript NM_005144.5 (MANE Select); coding-DNA position 833, C replaced by T.
Protein change: p.Ser278Phe; replaces serine 278 with phenylalanine.
Molecular consequence: missense variant.
Genome position (GRCh38, 1-based): chr8:22,127,609, G>A on the plus strand (C>T on the coding strand, the complement: HR is on the minus strand). VCF-style: chr8-22127609-G-A. GRCh37 (hg19) VCF-style: chr8-21985122-G-A.
Other names: c.833C>T, p.Ser278Phe (NM_018411.4); short protein forms S278F.
Identifiers: ClinVar variation 3106923 (VCV003106923.3), dbSNP rs374318044, ClinGen allele CA4662621.